The following is an entry in ClinVar:

NM_004304.5(ALK):c.4430A>G (p.Asn1477Ser)

Gene: ALK (ALK receptor tyrosine kinase; minus strand). Cytogenetic location: 2p23.2.
Variant type: single nucleotide variant.
Coding change: c.4430A>G on transcript NM_004304.5 (MANE Select); coding-DNA position 4430, A replaced by G.
Protein change: p.Asn1477Ser; replaces asparagine 1477 with serine.
Molecular consequence: missense variant.
Genome position (GRCh38, 1-based): chr2:29,193,657, T>C on the plus strand (A>G on the coding strand, the complement: ALK is on the minus strand). VCF-style: chr2-29193657-T-C. GRCh37 (hg19) VCF-style: chr2-29416523-T-C.
Other names: c.1226A>G, p.Asn409Ser (NM_001353765.2); short protein forms N1477S, N409S.
Identifiers: ClinVar variation 856478 (VCV000856478.10), dbSNP rs1668942326, ClinGen allele CA346462125.

ClinVar aggregate classification (germline): Uncertain significance. Review status: criteria provided, multiple submitters, no conflicts (2 of 4 stars). 2 submissions from 2 submitters: Uncertain significance (2). Last evaluated 2025-06-08.

Conditions:
Neuroblastoma, susceptibility to, 3. Also called: ALK-Related Neuroblastic Tumor Susceptibility. Identifiers: Orphanet 635, MedGen C2751681, MONDO:0013083, OMIM 613014.
Hereditary cancer-predisposing syndrome. Also called: Hereditary neoplastic syndrome; Tumor predisposition; Neoplastic Syndromes, Hereditary; Hereditary Cancer Syndrome. Identifiers: Orphanet 140162, MedGen C0027672, MeSH D009386, MONDO:0015356.

Submissions (2):

Ambry Genetics
Classification: Uncertain significance for Hereditary cancer-predisposing syndrome. Last evaluated: 2025-06-08. Review status: criteria provided, single submitter. Criteria: Ambry Variant Classification Scheme 2023. Collection method: clinical testing. Allele origin: germline.
Comment: The p.N1477S variant (also known as c.4430A>G), located in coding exon 29 of the ALK gene, results from an A to G substitution at nucleotide position 4430. The asparagine at codon 1477 is replaced by serine, an amino acid with highly similar properties. This amino acid position is conserved. In addition, this alteration is predicted to be tolerated by in silico analysis. Based on the available evidence, the clinical significance of this variant remains unclear.

Labcorp Genetics (formerly Invitae), Labcorp
Classification: Uncertain significance for Neuroblastoma, susceptibility to, 3. Last evaluated: 2023-07-08. Review status: criteria provided, single submitter. Criteria: Invitae Variant Classification Sherloc (09022015). Collection method: clinical testing. Allele origin: germline.
Comment: This sequence change replaces asparagine, which is neutral and polar, with serine, which is neutral and polar, at codon 1477 of the ALK protein (p.Asn1477Ser). In summary, the available evidence is currently insufficient to determine the role of this variant in disease. Therefore, it has been classified as a Variant of Uncertain Significance. An algorithm developed to predict the effect of missense changes on protein structure and function (PolyPhen-2) suggests that this variant is likely to be disruptive. ClinVar contains an entry for this variant (Variation ID: 856478). This variant has not been reported in the literature in individuals affected with ALK-related conditions. This variant is not present in population databases (gnomAD no frequency).